The following is an entry in ClinVar:

NC_000011.9:g.(?_32410594)_(32421600_?)dup

Gene: WT1 (WT1 transcription factor; minus strand). Cytogenetic location: 11p13.
Variant type: Duplication.
Identifiers: ClinVar variation 654101 (VCV000654101.8).

ClinVar aggregate classification (germline): Uncertain significance (1 of 4 stars; one submission).

Conditions:
Drash syndrome (DDS). Also called: NEPHROPATHY, WILMS TUMOR, AND GENITAL ANOMALIES; WILMS TUMOR AND PSEUDO- OR TRUE HERMAPHRODITISM. Identifiers: Orphanet 220, MedGen C0950121, MONDO:0008682, OMIM 194080.
Frasier syndrome. Identifiers: Orphanet 347, MedGen C0950122, MeSH D052159, MONDO:0007635, OMIM 136680.
Wilms tumor 1 (WT1). Also called: Wilms tumor, somatic. Identifiers: Orphanet 654, MedGen CN033288, MONDO:0008679, OMIM 194070.
11p partial monosomy syndrome (WAGR). Also called: WAGR Spectrum Disorder; WAGR syndrome; WAGR Complex; CHROMOSOME 11p13 DELETION SYNDROME. Identifiers: Orphanet 893, MedGen C0206115, MONDO:0008681, OMIM 194072.

Submission:

Labcorp Genetics (formerly Invitae), Labcorp
Classification: Uncertain significance for Wilms tumor 1; Drash syndrome; 11p partial monosomy syndrome; Frasier syndrome. Last evaluated: 2018-12-23. Review status: criteria provided, single submitter. Criteria: Invitae Variant Classification Sherloc (09022015). Collection method: clinical testing. Allele origin: germline.
Comment: In summary, the available evidence is currently insufficient to determine the role of this variant in disease. Therefore, it has been classified as a Variant of Uncertain Significance. This variant has not been reported in the literature in individuals with WT1-related conditions. This variant results in a copy number gain of the genomic region encompassing exons 6-10 of the WT1 gene. The 5' boundary is likely confined to intron 5. The 3' end of this event is unknown as it extends beyond the assayed region for this gene and therefore may encompass additional genes. As the precise location of this event is unknown, it may be in tandem or it may be located elsewhere in the genome.